The following is an entry in ClinVar:

ClinVar aggregate classification (germline): Conflicting classifications of pathogenicity. Review status: criteria provided, conflicting classifications (1 of 4 stars). 2 submissions from 2 submitters: Likely pathogenic (1); Uncertain significance (1). Last evaluated 2024-09-24.

Conditions:
Autosomal recessive hypohidrotic ectodermal dysplasia syndrome. Also called: Autosomal recessive hypohidrotic ectodermal dysplasia. Identifiers: Orphanet 248, MedGen C0406702, MONDO:0016619.
Ectodermal dysplasia 10A, hypohidrotic/hair/nail type, autosomal dominant (ECTD10A). Also called: Ectodermal Dysplasia 3, Anhidrotic. Identifiers: Orphanet 1810, Orphanet 238468, MedGen C3888065, MONDO:0007509, OMIM 129490.

Submissions (2):

GeneDx
Classification: Likely pathogenic. Last evaluated: 2024-09-24. Review status: criteria provided, single submitter. Criteria: GeneDx Variant Classification Process June 2021. Collection method: clinical testing. Allele origin: germline. Affected: yes.
Comment: Not observed at significant frequency in large population cohorts (gnomAD); Missense variants in this gene are a common cause of disease and they are underrepresented in the general population; In silico analysis supports that this missense variant has a deleterious effect on protein structure/function; Has not been previously published as pathogenic or benign to our knowledge; This variant is associated with the following publications: (PMID: 31245878, 11035039, 20301291)

Labcorp Genetics (formerly Invitae), Labcorp
Classification: Uncertain significance for Ectodermal dysplasia 10A, hypohidrotic/hair/nail type, autosomal dominant; Autosomal recessive hypohidrotic ectodermal dysplasia syndrome. Last evaluated: 2023-10-16. Review status: criteria provided, single submitter. Criteria: Invitae Variant Classification Sherloc (09022015). Collection method: clinical testing. Allele origin: germline.
Comment: This sequence change replaces cysteine, which is neutral and slightly polar, with tryptophan, which is neutral and slightly polar, at codon 428 of the EDAR protein (p.Cys428Trp). This variant is not present in population databases (gnomAD no frequency). This variant has not been reported in the literature in individuals affected with EDAR-related conditions. ClinVar contains an entry for this variant (Variation ID: 422144). Advanced modeling of protein sequence and biophysical properties (such as structural, functional, and spatial information, amino acid conservation, physicochemical variation, residue mobility, and thermodynamic stability) performed at Invitae indicates that this missense variant is expected to disrupt EDAR protein function. In summary, the available evidence is currently insufficient to determine the role of this variant in disease. Therefore, it has been classified as a Variant of Uncertain Significance.

NM_022336.4(EDAR):c.1284T>G (p.Cys428Trp)

Genes: EDAR (ectodysplasin A receptor; minus strand), RANBP2 (RAN binding protein 2; plus strand). Cytogenetic location: 2q13.
Variant type: single nucleotide variant.
Coding change: c.1284T>G on transcript NM_022336.4 (MANE Select); coding-DNA position 1284, T replaced by G.
Protein change: p.Cys428Trp; replaces cysteine 428 with tryptophan.
Molecular consequence: missense variant.
Genome position (GRCh38, 1-based): chr2:108,896,970, A>C on the plus strand (T>G on the coding strand, the complement: EDAR is on the minus strand). VCF-style: chr2-108896970-A-C. GRCh37 (hg19) VCF-style: chr2-109513426-A-C.
Other names: short protein forms C428W.
Identifiers: ClinVar variation 422144 (VCV000422144.7), dbSNP rs886041005, ClinGen allele CA16617223.